The following is an entry in ClinVar:

ClinVar aggregate classification (germline): Pathogenic. Review status: criteria provided, single submitter (1 of 4 stars). 2 submissions from 2 submitters: Pathogenic (1). 1 of the submissions does not count toward it. Last evaluated 2024-02-12.

Conditions:
Kennedy disease (SMAX1). Also called: KENNEDY SPINAL AND BULBAR MUSCULAR ATROPHY; SPINAL AND BULBAR MUSCULAR ATROPHY, X-LINKED 1; Spinal and Bulbar Muscular Atrophy. Identifiers: Orphanet 481, MedGen C1839259, MONDO:0010735, OMIM 313200.
Androgen resistance syndrome (AIS). Also called: Androgen insensitivity, complete; DIHYDROTESTOSTERONE RECEPTOR DEFICIENCY; Androgen insensitivity; Androgen insensitivity syndrome; ANDROGEN RECEPTOR DEFICIENCY; TESTICULAR FEMINIZATION SYNDROME. Identifiers: Orphanet 754, Orphanet 99429, MedGen C0039585, MONDO:0019154, OMIM 300068. Disease mechanism: loss of function.

Submissions (2):

Labcorp Genetics (formerly Invitae), Labcorp
Classification: Pathogenic for Kennedy disease; Androgen resistance syndrome. Last evaluated: 2024-02-12. Review status: criteria provided, single submitter. Criteria: Invitae Variant Classification Sherloc (09022015). Collection method: clinical testing. Allele origin: germline.
Comment: This sequence change replaces leucine, which is neutral and non-polar, with phenylalanine, which is neutral and non-polar, at codon 713 of the AR protein (p.Leu713Phe). This variant is not present in population databases (gnomAD no frequency). This missense change has been observed in individuals with partial androgen insensitivity syndrome (PMID: 8723113, 26352087, 30316867). It has also been observed to segregate with disease in related individuals. This variant is also known as Leu712Phe. ClinVar contains an entry for this variant (Variation ID: 9852). Advanced modeling of protein sequence and biophysical properties (such as structural, functional, and spatial information, amino acid conservation, physicochemical variation, residue mobility, and thermodynamic stability) has been performed at Invitae for this missense variant, however the output from this modeling did not meet the statistical confidence thresholds required to predict the impact of this variant on AR protein function. For these reasons, this variant has been classified as Pathogenic.

OMIM
Classification: Pathogenic for ANDROGEN INSENSITIVITY SYNDROME. Last evaluated: 1997-11-01. Review status: no assertion criteria provided. Collection method: literature only. Allele origin: germline. Not counted in ClinVar's aggregate classification.

Literature cited by the submitters: PubMed 8723113 (cited by Labcorp Genetics (formerly Invitae), Labcorp); PubMed 26352087 (cited by Labcorp Genetics (formerly Invitae), Labcorp); PubMed 30316867 (cited by Labcorp Genetics (formerly Invitae), Labcorp); PubMed 9360511 (cited by OMIM).

NM_000044.6(AR):c.2137C>T (p.Leu713Phe)

Gene: AR (androgen receptor; plus strand). Cytogenetic location: Xq12.
Variant type: single nucleotide variant.
Coding change: c.2137C>T on transcript NM_000044.6 (MANE Select); coding-DNA position 2137, C replaced by T.
Protein change: p.Leu713Phe; replaces leucine 713 with phenylalanine.
Molecular consequence: missense variant.
Genome position (GRCh38, 1-based): chrX:67,711,653, C>T. VCF-style: chrX-67711653-C-T. GRCh37 (hg19) VCF-style: chrX-66931495-C-T.
Other names: L712F; c.541C>T, p.Leu181Phe (NM_001011645.3); short protein forms L181F, L713F.
Identifiers: ClinVar variation 9852 (VCV000009852.3), dbSNP rs137852595, ClinGen allele CA254900.